The following is an entry in ClinVar:

ClinVar aggregate classification (germline): Uncertain significance (1 of 4 stars; one submission).

Conditions:
Cardiovascular phenotype. Identifiers: MedGen CN230736.

Submission:

Ambry Genetics
Classification: Uncertain significance for Cardiovascular phenotype. Last evaluated: 2026-03-12. Review status: criteria provided, single submitter. Criteria: Ambry Variant Classification Scheme 2023. Collection method: clinical testing. Allele origin: germline.
Comment: The p.P59R variant (also known as c.176C>G), located in coding exon 1 of the FOXE3 gene, results from a C to G substitution at nucleotide position 176. The proline at codon 59 is replaced by arginine, an amino acid with dissimilar properties. This amino acid position is conserved. In addition, this alteration is predicted to be tolerated by in silico analysis. Based on the available evidence, the clinical significance of this variant remains unclear.

NM_012186.3(FOXE3):c.176C>G (p.Pro59Arg)

Genes: FOXE3 (forkhead box E3; plus strand), LINC01389 (long intergenic non-protein coding RNA 1389; minus strand). Cytogenetic location: 1p33.
Variant type: single nucleotide variant.
Coding change: c.176C>G on transcript NM_012186.3 (MANE Select); coding-DNA position 176, C replaced by G.
Protein change: p.Pro59Arg; replaces proline 59 with arginine.
Molecular consequence: missense variant.
Genome position (GRCh38, 1-based): chr1:47,416,491, C>G. VCF-style: chr1-47416491-C-G. GRCh37 (hg19) VCF-style: chr1-47882163-C-G.
Other names: short protein forms P59R.
Identifiers: ClinVar variation 4825929 (VCV004825929.1).